The following is an entry in ClinVar:

ClinVar aggregate classification (germline): Likely benign (1 of 4 stars; one submission).

Allele frequency attached by ClinVar (database versions not stated): 1000 Genomes Project 30x 0.00328; 1000 Genomes Project 0.00399; TOPMed 0.00525; gnomAD 0.00835.
gnomAD v4.1: 1,253 of 152,022 alleles (0.82%); highest among the groups gnomAD compares: Non-Finnish European, 0.94%; 9 homozygotes.

Submission:

GeneDx
Classification: Likely benign. Last evaluated: 2021-05-16. Review status: criteria provided, single submitter. Criteria: GeneDx Variant Classification Process June 2021. Collection method: clinical testing. Allele origin: germline. Affected: yes.
Comment: See Variant Classification Assertion Criteria.

NM_000274.4(OAT):c.649-240T>C

Gene: OAT (ornithine aminotransferase; minus strand). Cytogenetic location: 10q26.13.
Variant type: single nucleotide variant.
Coding change: c.649-240T>C on transcript NM_000274.4 (MANE Select); 240 bases into the intron before coding-DNA position 649, T replaced by C.
Molecular consequence: intron variant.
Genome position (GRCh38, 1-based): chr10:124,404,160, A>G on the plus strand (T>C on the coding strand, the complement: OAT is on the minus strand). VCF-style: chr10-124404160-A-G. GRCh37 (hg19) VCF-style: chr10-126092729-A-G.
Other names: c.649-240T>C (NM_001322965.2, NM_001322969.2, NM_001322966.2 and 3 more transcripts); c.235-240T>C (NM_001171814.2); c.49-240T>C (NM_001322974.2); c.328-240T>C (NM_001322971.2).
Identifiers: ClinVar variation 1707191 (VCV001707191.2), dbSNP rs139741953, ClinGen allele CA215249173.